The following is an entry in ClinVar:

NM_002047.4(GARS1):c.86C>T (p.Ser29Leu)

Gene: GARS1 (glycyl-tRNA synthetase 1; plus strand). Cytogenetic location: 7p14.3.
Variant type: single nucleotide variant.
Coding change: c.86C>T on transcript NM_002047.4 (MANE Select); coding-DNA position 86, C replaced by T.
Protein change: p.Ser29Leu; replaces serine 29 with leucine.
Molecular consequence: missense variant. On other transcripts: 5 prime UTR variant (1).
Genome position (GRCh38, 1-based): chr7:30,595,007, C>T. VCF-style: chr7-30595007-C-T. GRCh37 (hg19) VCF-style: chr7-30634623-C-T.
Other names: c.-77C>T (NM_001316772.1); short protein forms S29L.
Identifiers: ClinVar variation 3603757 (VCV003603757.2).
Genomic context (GRCh38, chr7:30,595,007, plus strand): 5'-TTAGAGGTGCTCGCGCCGCTCTGCTGCTGCTGCTGCCGCCCCGGCTCTTAGCCCGACCCT[C>T]GCTCCTGCTCCGCCGGTCCCTCAGCGCGGCCTCCTGCCCCCCGATCTCCTTGCCCGCCGC-3'
Protein context (NP_002038.2, residues 19-39): LLPPRLLARP[Ser29Leu]LLLRRSLSAA

ClinVar aggregate classification (germline): Uncertain significance (1 of 4 stars; one submission).

Conditions:
Charcot-Marie-Tooth disease type 2. Also called: Charcot-Marie-Tooth type 2. Identifiers: Orphanet 64746, MedGen C0270914, MONDO:0018993.

gnomAD v4.1: 11 of 1,585,038 alleles (0.00069%); highest among the groups gnomAD compares: South Asian, 0.0011%; no homozygotes.

Submission:

Labcorp Genetics (formerly Invitae), Labcorp
Classification: Uncertain significance for Charcot-Marie-Tooth disease type 2. Last evaluated: 2024-06-13. Review status: criteria provided, single submitter. Criteria: Invitae Variant Classification Sherloc (09022015). Collection method: clinical testing. Allele origin: germline.
Comment: This sequence change replaces serine, which is neutral and polar, with leucine, which is neutral and non-polar, at codon 29 of the GARS protein (p.Ser29Leu). The frequency data for this variant in the population databases is considered unreliable, as metrics indicate poor data quality at this position in the gnomAD database. This variant has not been reported in the literature in individuals affected with GARS-related conditions. Advanced modeling of protein sequence and biophysical properties (such as structural, functional, and spatial information, amino acid conservation, physicochemical variation, residue mobility, and thermodynamic stability) performed at Invitae indicates that this missense variant is not expected to disrupt GARS protein function with a negative predictive value of 80%. In summary, the available evidence is currently insufficient to determine the role of this variant in disease. Therefore, it has been classified as a Variant of Uncertain Significance.